The following is an entry in ClinVar:

ClinVar aggregate classification (germline): Likely benign (1 of 4 stars; one submission).

Submission:

Biesecker Lab/Clinical Genomics Section, National Institutes of Health
Classification: Likely benign. Last evaluated: 2013-06-24. Review status: criteria provided, single submitter. Criteria: Ng et al. (Circ Cardiovasc Genet. 2013). Collection method: research. Allele origin: unknown. Observed: 2 variant alleles. Study: ClinSeq.
Comment: The study set was not selected for affection status in relation to any cancer. Pathogenicity categories were based on literature curation. See Pubmed ID:23861362 for details.

Medical sequencing

NM_001267550.2(TTN):c.97098C>T (p.Ile32366=)

Genes: TTN (titin; minus strand), TTN-AS1 (TTN antisense RNA 1; plus strand). Cytogenetic location: 2q31.2.
Variant type: single nucleotide variant.
Coding change: c.97098C>T on transcript NM_001267550.2 (MANE Select); coding-DNA position 97098, C replaced by T.
Protein change: p.Ile32366=; no amino-acid change (isoleucine 32366 retained).
Molecular consequence: synonymous variant.
Genome position (GRCh38, 1-based): chr2:178,542,756, G>A on the plus strand (C>T on the coding strand, the complement: TTN is on the minus strand). VCF-style: chr2-178542756-G-A. GRCh37 (hg19) VCF-style: chr2-179407483-G-A.
Other names: c.92175C>T, p.Ile30725= (NM_001256850.1); c.69903C>T, p.Ile23301= (NM_003319.4); c.89394C>T, p.Ile29798= (NM_133378.4); c.70278C>T, p.Ile23426= (NM_133432.3); c.70479C>T, p.Ile23493= (NM_133437.4).
Identifiers: ClinVar variation 192142 (VCV000192142.1), dbSNP rs786205323, ClinGen allele CA238456.